The following is an entry in ClinVar:

NC_000005.9:g.(?_155756587)_(155756609_?)del

Gene: SGCD (sarcoglycan delta; plus strand). Cytogenetic location: 5q33.3.
Variant type: Deletion.
Identifiers: ClinVar variation 2422915 (VCV002422915.5).

ClinVar aggregate classification (germline): Uncertain significance (1 of 4 stars; one submission).

Conditions:
Autosomal recessive limb-girdle muscular dystrophy type 2F (LGMDR6). Also called: Muscular dystrophy limb-girdle with delta-sarcoglyan deficiency; MUSCULAR DYSTROPHY, LIMB-GIRDLE, AUTOSOMAL RECESSIVE 6. Identifiers: Orphanet 219, MedGen C1832525, MONDO:0011028, OMIM 601287. Disease mechanism: Affects gamma-sarcoglycan and also disrupts the integrity of the entire sarcoglycan complex..

Submission:

Labcorp Genetics (formerly Invitae), Labcorp
Classification: Uncertain significance for Autosomal recessive limb-girdle muscular dystrophy type 2F. Last evaluated: 2022-02-06. Review status: criteria provided, single submitter. Criteria: Invitae Variant Classification Sherloc (09022015). Collection method: clinical testing. Allele origin: germline.
Comment: This variant is a gross deletion of the genomic region encompassing exon(s) 2 of the SGCD gene, which includes the initiator codon. This deletion extends beyond the assayed region for this gene and therefore may encompass additional genes. It is expected to result in an absent or disrupted protein product. However it is currently unclear if variants that occur in this region of the gene cause disease. A similar copy number variant has been observed in individual(s) with sarcoglycanopathy (PMID: 32875335). This variant is also known as c.1_3del. In summary, the available evidence is currently insufficient to determine the role of this variant in disease. Therefore, it has been classified as a Variant of Uncertain Significance.

Literature cited by the submitters: PubMed 32875335.